The following is an entry in ClinVar:

NM_138576.4(BCL11B):c.1857G>T (p.Lys619Asn)

Gene: BCL11B (BCL11 transcription factor B; minus strand). Cytogenetic location: 14q32.2.
Variant type: single nucleotide variant.
Coding change: c.1857G>T on transcript NM_138576.4 (MANE Select); coding-DNA position 1857, G replaced by T.
Protein change: p.Lys619Asn; replaces lysine 619 with asparagine.
Molecular consequence: missense variant.
Genome position (GRCh38, 1-based): chr14:99,174,979, C>A on the plus strand (G>T on the coding strand, the complement: BCL11B is on the minus strand). VCF-style: chr14-99174979-C-A. GRCh37 (hg19) VCF-style: chr14-99641316-C-A.
Other names: c.1644G>T, p.Lys548Asn (NM_022898.3); c.1854G>T, p.Lys618Asn (NM_001282237.2); c.1641G>T, p.Lys547Asn (NM_001282238.2); short protein forms K547N, K619N, K548N, K618N.
Identifiers: ClinVar variation 2829997 (VCV002829997.3), dbSNP rs2503641672, ClinGen allele CA390934464.

ClinVar aggregate classification (germline): Uncertain significance (1 of 4 stars; one submission).

Allele frequency attached by ClinVar (database versions not stated): gnomAD exomes below 0.00001.
gnomAD v4.1: 5 of 1,569,744 alleles (0.00032%); highest among the groups gnomAD compares: Non-Finnish European, 0.00043%; no homozygotes.

Submission:

Labcorp Genetics (formerly Invitae), Labcorp
Classification: Uncertain significance. Last evaluated: 2023-01-19. Review status: criteria provided, single submitter. Criteria: Invitae Variant Classification Sherloc (09022015). Collection method: clinical testing. Allele origin: germline.
Comment: In summary, the available evidence is currently insufficient to determine the role of this variant in disease. Therefore, it has been classified as a Variant of Uncertain Significance. Advanced modeling of protein sequence and biophysical properties (such as structural, functional, and spatial information, amino acid conservation, physicochemical variation, residue mobility, and thermodynamic stability) performed at Invitae indicates that this missense variant is not expected to disrupt BCL11B protein function. This variant has not been reported in the literature in individuals affected with BCL11B-related conditions. This variant is not present in population databases (gnomAD no frequency). This sequence change replaces lysine, which is basic and polar, with asparagine, which is neutral and polar, at codon 619 of the BCL11B protein (p.Lys619Asn).